The following is an entry in ClinVar:

ClinVar aggregate classification (germline): Uncertain significance (1 of 4 stars; one submission).

Allele frequency attached by ClinVar (database versions not stated): gnomAD exomes below 0.00001.
gnomAD v4.1: 1 of 1,613,350 alleles (0.000062%); highest among the groups gnomAD compares: Non-Finnish European, 0.000085%; no homozygotes.

Submission:

Labcorp Genetics (formerly Invitae), Labcorp
Classification: Uncertain significance. Last evaluated: 2023-02-10. Review status: criteria provided, single submitter. Criteria: Invitae Variant Classification Sherloc (09022015). Collection method: clinical testing. Allele origin: germline.
Comment: This sequence change replaces lysine, which is basic and polar, with glutamine, which is neutral and polar, at codon 355 of the KAT6A protein (p.Lys355Gln). This variant is not present in population databases (gnomAD no frequency). This variant has not been reported in the literature in individuals affected with KAT6A-related conditions. Algorithms developed to predict the effect of missense changes on protein structure and function are either unavailable or do not agree on the potential impact of this missense change (SIFT: "Tolerated"; PolyPhen-2: "Possibly Damaging"; Align-GVGD: "Class C0"). In summary, the available evidence is currently insufficient to determine the role of this variant in disease. Therefore, it has been classified as a Variant of Uncertain Significance.

NM_006766.5(KAT6A):c.1063A>C (p.Lys355Gln)

Gene: KAT6A (lysine acetyltransferase 6A; minus strand). Cytogenetic location: 8p11.21.
Variant type: single nucleotide variant.
Coding change: c.1063A>C on transcript NM_006766.5 (MANE Select); coding-DNA position 1063, A replaced by C.
Protein change: p.Lys355Gln; replaces lysine 355 with glutamine.
Molecular consequence: missense variant.
Genome position (GRCh38, 1-based): chr8:41,977,308, T>G on the plus strand (A>C on the coding strand, the complement: KAT6A is on the minus strand). VCF-style: chr8-41977308-T-G. GRCh37 (hg19) VCF-style: chr8-41834826-T-G.
Other names: c.1063A>C, p.Lys355Gln (NM_001305878.2); short protein forms K355Q.
Identifiers: ClinVar variation 2836072 (VCV002836072.3), dbSNP rs2486807934, ClinGen allele CA371076519.